The following is an entry in ClinVar:

NM_001127178.3(PIGG):c.862C>G (p.Pro288Ala)

Gene: PIGG (phosphatidylinositol glycan anchor biosynthesis class G (EMM blood group); plus strand). Cytogenetic location: 4p16.3.
Variant type: single nucleotide variant.
Coding change: c.862C>G on transcript NM_001127178.3 (MANE Select); coding-DNA position 862, C replaced by G.
Protein change: p.Pro288Ala; replaces proline 288 with alanine.
Molecular consequence: missense variant. On other transcripts: 5 prime UTR variant (3), non-coding transcript variant (10), intron variant (1).
Genome position (GRCh38, 1-based): chr4:508,931, C>G. VCF-style: chr4-508931-C-G. GRCh37 (hg19) VCF-style: chr4-502720-C-G.
Other names: c.595C>G, p.Pro199Ala (NM_001289051.2, NM_001289053.2, NM_001289057.2 and 2 more transcripts); c.463C>G, p.Pro155Ala (NM_001289052.2); c.496C>G, p.Pro166Ala (NM_001289055.2); c.862C>G, p.Pro288Ala (NM_001345989.2, NM_017733.5); c.-764C>G (NM_001345990.2); c.-626C>G (NM_001345991.2); c.-351C>G (NM_001345994.2); c.-129+1338C>G (NM_001345988.2); short protein forms P288A, P155A, P166A, P199A.
Identifiers: ClinVar variation 569558 (VCV000569558.7), dbSNP rs369146029, ClinGen allele CA2793121.
Genomic context (GRCh38, chr4:508,931, plus strand): 5'-GACCATGGCATGTCTGAAACAGGAAGTCACGGGGCCTCCTCCACCGAGGAGGTGAATACA[C>G]CTCTGATTTTAATCAGTTCTGCGTTTGAAAGGAAACCCGGTGAGAATTTAGGAATGTTAA-3'
Protein context (NP_001120650.1, residues 278-298): GASSTEEVNT[Pro288Ala]LILISSAFER

ClinVar aggregate classification (germline): Uncertain significance (1 of 4 stars; one submission).

Conditions:
Intellectual disability, autosomal recessive 53 (NEDHSCA). Also called: Mental retardation, autosomal recessive 53; GLYCOSYLPHOSPHATIDYLINOSITOL BIOSYNTHESIS DEFECT 13; NEURODEVELOPMENTAL DISORDER WITH OR WITHOUT HYPOTONIA, SEIZURES, AND CEREBELLAR ATROPHY. Identifiers: Orphanet 488635, MedGen C4310794, MONDO:0014832, OMIM 616917.

Allele frequency attached by ClinVar (database versions not stated): gnomAD 0.00001; ESP Exome Variant Server 0.00008.
gnomAD v4.1: 4 of 1,613,604 alleles (0.00025%); highest among the groups gnomAD compares: African/African-American, 0.004%; no homozygotes.

Submission:

Labcorp Genetics (formerly Invitae), Labcorp
Classification: Uncertain significance for Intellectual disability, autosomal recessive 53. Last evaluated: 2018-05-16. Review status: criteria provided, single submitter. Criteria: Invitae Variant Classification Sherloc (09022015). Collection method: clinical testing. Allele origin: germline.
Comment: In summary, the available evidence is currently insufficient to determine the role of this variant in disease. Therefore, it has been classified as a Variant of Uncertain Significance. This sequence change replaces proline with alanine at codon 288 of the PIGG protein (p.Pro288Ala). The proline residue is moderately conserved and there is a small physicochemical difference between proline and alanine. This variant is present in population databases (rs369146029, ExAC 0.01%). This variant has not been reported in the literature in individuals with PIGG-related disease. Algorithms developed to predict the effect of missense changes on protein structure and function output the following: SIFT: "Tolerated"; PolyPhen-2: "Benign"; Align-GVGD: "Class C0". The alanine amino acid residue is found in multiple mammalian species, suggesting that this missense change does not adversely affect protein function. These predictions have not been confirmed by published functional studies and their clinical significance is uncertain.